The following is an entry in ClinVar:

NM_001999.4(FBN2):c.842A>G (p.Gln281Arg)

Gene: FBN2 (fibrillin 2; minus strand). Cytogenetic location: 5q23.3.
Variant type: single nucleotide variant.
Coding change: c.842A>G on transcript NM_001999.4 (MANE Select); coding-DNA position 842, A replaced by G.
Protein change: p.Gln281Arg; replaces glutamine 281 with arginine.
Molecular consequence: missense variant.
Genome position (GRCh38, 1-based): chr5:128,446,591, T>C on the plus strand (A>G on the coding strand, the complement: FBN2 is on the minus strand). VCF-style: chr5-128446591-T-C. GRCh37 (hg19) VCF-style: chr5-127782284-T-C.
Other names: short protein forms Q281R.
Identifiers: ClinVar variation 623400 (VCV000623400.5), dbSNP rs773505261, ClinGen allele CA3395968.

ClinVar aggregate classification (germline): Conflicting classifications of pathogenicity. Review status: criteria provided, conflicting classifications (1 of 4 stars). 3 submissions from 3 submitters: Uncertain significance (1); Benign (1). 1 of the submissions does not count toward it. Last evaluated 2025-07-08.

Conditions:
Congenital contractural arachnodactyly (CCA). Also called: BEALS SYNDROME; Beals-Hecht syndrome; Arthrogryposis, distal, type 9. Identifiers: Orphanet 115, MedGen C0220668, MONDO:0007363, OMIM 121050.
High myopia. Also called: Severe Myopia. Identifiers: MedGen C0271183, HP:0011003.

Allele frequency attached by ClinVar (database versions not stated): gnomAD 0.00001; TOPMed 0.00001; ExAC 0.00002; gnomAD exomes 0.00002 and 0.00004.
gnomAD v4.1: 29 of 1,613,344 alleles (0.0018%); highest among the groups gnomAD compares: Non-Finnish European, 0.0013%; no homozygotes.

Submissions (3):

Labcorp Genetics (formerly Invitae), Labcorp
Classification: Benign for Congenital contractural arachnodactyly. Last evaluated: 2025-07-08. Review status: criteria provided, single submitter. Criteria: Invitae Variant Classification Sherloc (09022015). Collection method: clinical testing. Allele origin: germline.

GeneDx
Classification: Uncertain significance. Last evaluated: 2024-05-07. Review status: criteria provided, single submitter. Criteria: GeneDx Variant Classification Process June 2021. Collection method: clinical testing. Allele origin: germline. Affected: yes.
Comment: Has not been previously published as pathogenic or benign to our knowledge; In silico analysis supports that this missense variant has a deleterious effect on protein structure/function; Although located in a calcium-binding EGF-like domain of the FBN2 gene, it does not substitute or introduce a cysteine residue (PMID: 19006240, 18767143); This variant is associated with the following publications: (PMID: 19006240, 18767143)

Institute of Human Genetics, Polish Academy of Sciences
Classification: Uncertain significance for Severe Myopia. Last evaluated: 2018-12-17. Review status: no assertion criteria provided. Collection method: research. Allele origin: unknown. Affected: yes. Not counted in ClinVar's aggregate classification.